The following is an entry in ClinVar:

NM_000268.4(NF2):c.154C>T (p.Arg52Trp)

Gene: NF2 (NF2, moesin-ezrin-radixin like (MERLIN) tumor suppressor; plus strand). Cytogenetic location: 22q12.2.
Variant type: single nucleotide variant.
Coding change: c.154C>T on transcript NM_000268.4 (MANE Select); coding-DNA position 154, C replaced by T.
Protein change: p.Arg52Trp; replaces arginine 52 with tryptophan.
Molecular consequence: missense variant. On other transcripts: non-coding transcript variant (1), intron variant (3).
Genome position (GRCh38, 1-based): chr22:29,636,790, C>T. VCF-style: chr22-29636790-C-T. GRCh37 (hg19) VCF-style: chr22-30032779-C-T.
Other names: c.154C>T, p.Arg52Trp (NM_016418.5, NM_181825.3, NM_181829.3 and 2 more transcripts); c.115-2300C>T (NM_181828.3); c.115-5412C>T (NM_181830.3, NM_181831.3); short protein forms R52W.
Identifiers: ClinVar variation 849398 (VCV000849398.13), dbSNP rs764901064, ClinGen allele CA031082.
Genomic context (GRCh38, chr22:29,636,790, plus strand): 5'-CCCATTGGTTTGTTATTGCAGATGAAGTGGAAAGGGAAGGACCTCTTTGATTTGGTGTGC[C>T]GGACTCTGGGGCTCCGAGAAACCTGGTTCTTTGGACTGCAGTACACAATCAAGGACACAG-3'
Protein context (NP_000259.1, residues 42-62): KGKDLFDLVC[Arg52Trp]TLGLRETWFF

ClinVar aggregate classification (germline): Uncertain significance. Review status: criteria provided, multiple submitters, no conflicts (2 of 4 stars). 2 submissions from 2 submitters: Uncertain significance (2). Last evaluated 2024-09-10.

Conditions:
Neurofibromatosis, type 2 (SWNV). Also called: BILATERAL ACOUSTIC NEUROFIBROMATOSIS; SCHWANNOMATOSIS, VESTIBULAR; NF2-Related Schwannomatosis. Identifiers: Orphanet 637, MedGen C0027832, MONDO:0007039, OMIM 101000. Disease mechanism: loss of function.
Hereditary cancer-predisposing syndrome. Also called: Neoplastic Syndromes, Hereditary; Hereditary neoplastic syndrome; Tumor predisposition; Hereditary Cancer Syndrome. Identifiers: Orphanet 140162, MedGen C0027672, MeSH D009386, MONDO:0015356.

Allele frequency attached by ClinVar (database versions not stated): gnomAD exomes below 0.00001; ExAC 0.00001; gnomAD 0.00001.
gnomAD v4.1: 2 of 1,613,998 alleles (0.00012%); highest among the groups gnomAD compares: African/African-American, 0.0013%; no homozygotes.

Submissions (2):

Ambry Genetics
Classification: Uncertain significance for Hereditary cancer-predisposing syndrome. Last evaluated: 2024-09-10. Review status: criteria provided, single submitter. Criteria: Ambry Variant Classification Scheme 2023. Collection method: clinical testing. Allele origin: germline.
Comment: The p.R52W variant (also known as c.154C>T), located in coding exon 2 of the NF2 gene, results from a C to T substitution at nucleotide position 154. The arginine at codon 52 is replaced by tryptophan, an amino acid with dissimilar properties. This amino acid position is highly conserved in available vertebrate species. In addition, the in silico prediction for this alteration is inconclusive. Based on the available evidence, the clinical significance of this variant remains unclear.

Labcorp Genetics (formerly Invitae), Labcorp
Classification: Uncertain significance for Neurofibromatosis, type 2. Last evaluated: 2023-12-24. Review status: criteria provided, single submitter. Criteria: Invitae Variant Classification Sherloc (09022015). Collection method: clinical testing. Allele origin: germline.
Comment: This sequence change replaces arginine, which is basic and polar, with tryptophan, which is neutral and slightly polar, at codon 52 of the NF2 protein (p.Arg52Trp). This variant is present in population databases (rs764901064, gnomAD 0.0009%). This variant has not been reported in the literature in individuals affected with NF2-related conditions. ClinVar contains an entry for this variant (Variation ID: 849398). Advanced modeling of protein sequence and biophysical properties (such as structural, functional, and spatial information, amino acid conservation, physicochemical variation, residue mobility, and thermodynamic stability) performed at Invitae indicates that this missense variant is expected to disrupt NF2 protein function with a positive predictive value of 80%. In summary, the available evidence is currently insufficient to determine the role of this variant in disease. Therefore, it has been classified as a Variant of Uncertain Significance.